The following is an entry in ClinVar:

ClinVar aggregate classification (germline): Likely benign. Review status: criteria provided, multiple submitters, no conflicts (2 of 4 stars). 2 submissions from 2 submitters: Likely benign (2). Last evaluated 2025-04-23.

Conditions:
BBS4-related disorder. Also called: BBS4-related condition.
Bardet-Biedl syndrome (BBS). Identifiers: Orphanet 110, MedGen C0752166, MONDO:0015229.

Allele frequency attached by ClinVar (database versions not stated): TOPMed below 0.00001.

Submissions (2):

PreventionGenetics, part of Exact Sciences
Classification: Likely benign for BBS4-related condition. Last evaluated: 2025-04-23. Review status: criteria provided, single submitter. Criteria: ACMG Guidelines, 2015. Collection method: clinical testing. Allele origin: germline.
Comment: This variant is classified as likely benign based on ACMG/AMP sequence variant interpretation guidelines (Richards et al. 2015 PMID: 25741868, with internal and published modifications).

Labcorp Genetics (formerly Invitae), Labcorp
Classification: Likely benign for Bardet-Biedl syndrome. Last evaluated: 2022-02-03. Review status: criteria provided, single submitter. Criteria: Invitae Variant Classification Sherloc (09022015). Collection method: clinical testing. Allele origin: germline.

NM_033028.5(BBS4):c.1494T>G (p.Pro498=)

Gene: BBS4 (Bardet-Biedl syndrome 4; plus strand). Cytogenetic location: 15q24.1.
Variant type: single nucleotide variant.
Coding change: c.1494T>G on transcript NM_033028.5 (MANE Select); coding-DNA position 1494, T replaced by G.
Protein change: p.Pro498=; no amino-acid change (proline 498 retained).
Molecular consequence: synonymous variant. On other transcripts: non-coding transcript variant (2).
Genome position (GRCh38, 1-based): chr15:72,737,521, T>G. VCF-style: chr15-72737521-T-G. GRCh37 (hg19) VCF-style: chr15-73029862-T-G.
Other names: c.978T>G, p.Pro326= (NM_001252678.2); c.1425T>G, p.Pro475= (NM_001320665.2); c.1494T>G (NM_033028.4).
Identifiers: ClinVar variation 1109737 (VCV001109737.10), dbSNP rs1186383384, ClinGen allele CA491125165.